The following is an entry in ClinVar:

NM_002430.3(MN1):c.912GCA[5] (p.Gln309del)

Gene: MN1 (MN1 proto-oncogene, transcriptional regulator; minus strand). Cytogenetic location: 22q12.1.
Variant type: Microsatellite.
Coding change: c.912GCA[5] on transcript NM_002430.3 (MANE Select); five copies in a row of the 3-base unit GCA starting at c.912; the reference has six copies in a row; one copy, 3 bases deleted.
Protein change: p.Gln309del; deletes glutamine 309.
Molecular consequence: inframe deletion.
Genome position (GRCh38, 1-based): chr22:27,799,615-27,799,617, TGC deleted on the plus strand (GCA on the coding strand, the reverse complement: MN1 is on the minus strand); deleting any 3 consecutive bases within chr22:27,799,615-27,799,634 gives the same sequence; the position shown is the placement nearest the transcript's 3' end. VCF-style (leftmost placement, unchanged base first): chr22-27799614-ATGC-A. GRCh37 (hg19) VCF-style: chr22-28195602-ATGC-A.
Other names: c.927_929delGCA (NM_002430.2); short protein forms Q309del.
Identifiers: ClinVar variation 438776 (VCV000438776.3), dbSNP rs747503495, ClinGen allele CA10166494.

ClinVar aggregate classification (germline): Benign; other. Review status: no assertion criteria provided (0 of 4 stars). 2 submissions from 2 submitters: Benign (1). Last evaluated 2019-05-02.

Conditions:
Hepatoblastoma. Identifiers: Orphanet 449, MedGen C0206624, MONDO:0018666, HP:0002884.
MN1-related disorder. Also called: MN1-related condition.

Submissions (2):

PreventionGenetics, part of Exact Sciences
Classification: Benign for MN1-related condition. Last evaluated: 2019-05-02. Review status: no assertion criteria provided. Collection method: clinical testing. Allele origin: germline.
Comment: This variant is classified as benign based on ACMG/AMP sequence variant interpretation guidelines (Richards et al. 2015 PMID: 25741868, with internal and published modifications).

Donald Williams Parsons Laboratory, Baylor College of Medicine
Classification: other for HEPATOBLASTOMA. Last evaluated: 2016-05-01. Review status: no assertion criteria provided. Collection method: clinical testing. Allele origin: somatic. Inheritance: Somatic mutation. Affected: yes. Study: CSER-BASIC3.

Literature cited by the submitters: PubMed 26822237 (cited by Donald Williams Parsons Laboratory, Baylor College of Medicine).